The following is an entry in ClinVar:

NM_001099271.2(POC5):c.1163A>G (p.Tyr388Cys)

Gene: POC5 (POC5 centriolar protein; minus strand). Cytogenetic location: 5q13.3.
Variant type: single nucleotide variant.
Coding change: c.1163A>G on transcript NM_001099271.2 (MANE Select); coding-DNA position 1163, A replaced by G.
Protein change: p.Tyr388Cys; replaces tyrosine 388 with cysteine.
Molecular consequence: missense variant.
Genome position (GRCh38, 1-based): chr5:75,685,451, T>C on the plus strand (A>G on the coding strand, the complement: POC5 is on the minus strand). VCF-style: chr5-75685451-T-C. GRCh37 (hg19) VCF-style: chr5-74981276-T-C.
Other names: c.1088A>G, p.Tyr363Cys (NM_152408.3); c.1163A>G (NM_001099271.1); short protein forms Y363C, Y388C.
Identifiers: ClinVar variation 1518522 (VCV001518522.8), dbSNP rs778216774, ClinGen allele CA3310379.
Genomic context (GRCh38, chr5:75,685,451, plus strand): 5'-ATCGGAGGAGCTGAAGGATCCAAATGAGCAGAATGTTCTTTTCCTTGAACACCAGGACCA[T>C]ACTCTTCCTTTTTATTATTTGTGGAGTCTATCCCTATAAATCACAAATTAATTCCATTCA-3'
Protein context (NP_001092741.1, residues 378-398): IDSTNNKKEE[Tyr388Cys]GPGVQGKEHS

ClinVar aggregate classification (germline): Uncertain significance. Review status: criteria provided, multiple submitters, no conflicts (2 of 4 stars). 2 submissions from 2 submitters: Uncertain significance (2). Last evaluated 2025-09-09.

Allele frequency attached by ClinVar (database versions not stated): gnomAD 0.00001; TOPMed 0.00001; ExAC 0.00002; gnomAD exomes 0.00002 and 0.00005.
gnomAD v4.1: 74 of 1,612,164 alleles (0.0046%); highest among the groups gnomAD compares: Non-Finnish European, 0.0059%; no homozygotes.

Submissions (2):

Labcorp Genetics (formerly Invitae), Labcorp
Classification: Uncertain significance. Last evaluated: 2025-09-09. Review status: criteria provided, single submitter. Criteria: Invitae Variant Classification Sherloc (09022015). Collection method: clinical testing. Allele origin: germline.
Comment: This sequence change replaces tyrosine, which is neutral and polar, with cysteine, which is neutral and slightly polar, at codon 388 of the POC5 protein (p.Tyr388Cys). The frequency data for this variant in the population databases is considered unreliable, as metrics indicate poor data quality at this position in the gnomAD database. This variant has not been reported in the literature in individuals affected with POC5-related conditions. ClinVar contains an entry for this variant (Variation ID: 1518522). An algorithm developed to predict the effect of missense changes on protein structure and function (PolyPhen-2) suggests that this variant is likely to be disruptive. In summary, the available evidence is currently insufficient to determine the role of this variant in disease. Therefore, it has been classified as a Variant of Uncertain Significance.

Ambry Genetics
Classification: Uncertain significance. Last evaluated: 2025-03-03. Review status: criteria provided, single submitter. Criteria: Ambry Variant Classification Scheme 2023. Collection method: clinical testing. Allele origin: germline.